The following is an entry in ClinVar:

NM_000787.4(DBH):c.1473C>T (p.Tyr491=)

Genes: DBH (dopamine beta-hydroxylase; plus strand), DBH-AS1 (DBH antisense RNA 1; minus strand). Cytogenetic location: 9q34.2.
Variant type: single nucleotide variant.
Coding change: c.1473C>T on transcript NM_000787.4 (MANE Select); coding-DNA position 1473, C replaced by T.
Protein change: p.Tyr491=; no amino-acid change (tyrosine 491 retained).
Molecular consequence: synonymous variant.
Genome position (GRCh38, 1-based): chr9:133,656,561, C>T. VCF-style: chr9-133656561-C-T. GRCh37 (hg19) VCF-style: chr9-136521683-C-T.
Other names: c.1473C>T (NM_000787.3).
Identifiers: ClinVar variation 2053830 (VCV002053830.4), dbSNP rs768574086, ClinGen allele CA5313552.
Genomic context (GRCh38, chr9:133,656,561, plus strand): 5'-ACGGGTCTCCTCCAACTTGCAGGGGGGCTTCGGGATCCTGGAGGAGATGTGTGTCAACTA[C>T]GTGCACTACTACCCCCAGACGCAGCTGGAGCTCTGCAAGAGCGCTGTGGACGCCGGCTTC-3'
Protein context (NP_000778.3, residues 481-501): FGILEEMCVN[Tyr491=]VHYYPQTQLE

ClinVar aggregate classification (germline): Conflicting classifications of pathogenicity. Review status: criteria provided, conflicting classifications (1 of 4 stars). 3 submissions from 3 submitters: Uncertain significance (1); Likely benign (1). 1 of the submissions does not count toward it. Last evaluated 2022-03-17.

Conditions:
DBH-related disorder. Also called: DBH-related condition.
Orthostatic hypotension 1 (ORTHYP1). Also called: Orthostatic hypotension 1, due to DBH deficiency; NORADRENALINE DEFICIENCY; NOREPINEPHRINE DEFICIENCY; Dopamine beta-hydroxylase deficiency. Identifiers: Orphanet 230, MedGen C4746777, MONDO:0009123, OMIM 223360.

Allele frequency attached by ClinVar (database versions not stated): TOPMed 0.00001; gnomAD exomes 0.00004; gnomAD 0.00005; ExAC 0.00010.
gnomAD v4.1: 68 of 1,613,838 alleles (0.0042%); highest among the groups gnomAD compares: Admixed American, 0.005%; no homozygotes.

Submissions (3):

Labcorp Genetics (formerly Invitae), Labcorp
Classification: Uncertain significance for Orthostatic hypotension 1. Last evaluated: 2022-03-17. Review status: criteria provided, single submitter. Criteria: Invitae Variant Classification Sherloc (09022015). Collection method: clinical testing. Allele origin: germline.
Comment: This sequence change affects codon 491 of the DBH mRNA. It is a 'silent' change, meaning that it does not change the encoded amino acid sequence of the DBH protein. This variant is present in population databases (rs768574086, gnomAD 0.05%). This variant has not been reported in the literature in individuals affected with DBH-related conditions. Algorithms developed to predict the effect of sequence changes on RNA splicing suggest that this variant may create or strengthen a splice site. In summary, the available evidence is currently insufficient to determine the role of this variant in disease. Therefore, it has been classified as a Variant of Uncertain Significance.

Blueprint Genetics
Classification: Likely benign. Last evaluated: 2020-05-07. Review status: criteria provided, single submitter. Criteria: ACMG Guidelines, 2015. Collection method: clinical testing. Allele origin: germline.

PreventionGenetics, part of Exact Sciences
Classification: Likely benign for DBH-related condition. Last evaluated: 2019-03-07. Review status: no assertion criteria provided. Collection method: clinical testing. Allele origin: germline. Not counted in ClinVar's aggregate classification.
Comment: This variant is classified as likely benign based on ACMG/AMP sequence variant interpretation guidelines (Richards et al. 2015 PMID: 25741868, with internal and published modifications).